The following is an entry in ClinVar:

ClinVar aggregate classification (germline): Likely benign. Review status: criteria provided, multiple submitters, no conflicts (2 of 4 stars). 5 submissions from 5 submitters: Likely benign (4). 1 of the submissions does not count toward it. Last evaluated 2026-01-13.

Conditions:
LAMC3-related disorder. Also called: LAMC3-related condition.

Allele frequency attached by ClinVar (database versions not stated): gnomAD exomes 0.00026; ESP Exome Variant Server 0.00032; gnomAD 0.00046; 1000 Genomes Project 30x 0.00047; TOPMed 0.00057; 1000 Genomes Project 0.00060.
gnomAD v4.1: 444 of 1,552,338 alleles (0.029%); highest among the groups gnomAD compares: Middle Eastern, 0.12%; 1 homozygote.

Submissions (5):

Labcorp Genetics (formerly Invitae), Labcorp
Classification: Likely benign. Last evaluated: 2026-01-13. Review status: criteria provided, single submitter. Criteria: Invitae Variant Classification Sherloc (09022015). Collection method: clinical testing. Allele origin: germline.

Blueprint Genetics
Classification: Likely benign. Last evaluated: 2024-10-07. Review status: criteria provided, single submitter. Criteria: ACMG Guidelines, 2015. Collection method: clinical testing. Allele origin: germline.

GeneDx
Classification: Likely benign. Last evaluated: 2019-05-29. Review status: criteria provided, single submitter. Criteria: GeneDx Variant Classification Process June 2021. Collection method: clinical testing. Allele origin: germline. Affected: yes.

Breakthrough Genomics
Classification: Likely benign. Review status: criteria provided, single submitter. Criteria: ACMG Guidelines, 2015. Collection method: not provided. Allele origin: germline. Inheritance: Autosomal recessive inheritance. Affected: yes.

PreventionGenetics, part of Exact Sciences
Classification: Likely benign for LAMC3-related condition. Last evaluated: 2021-07-08. Review status: no assertion criteria provided. Collection method: clinical testing. Allele origin: germline. Not counted in ClinVar's aggregate classification.
Comment: This variant is classified as likely benign based on ACMG/AMP sequence variant interpretation guidelines (Richards et al. 2015 PMID: 25741868, with internal and published modifications).

NM_006059.4(LAMC3):c.1572A>G (p.Gln524=)

Gene: LAMC3 (laminin subunit gamma 3; plus strand). Cytogenetic location: 9q34.12.
Variant type: single nucleotide variant.
Coding change: c.1572A>G on transcript NM_006059.4 (MANE Select); coding-DNA position 1572, A replaced by G.
Protein change: p.Gln524=; no amino-acid change (glutamine 524 retained).
Molecular consequence: synonymous variant.
Genome position (GRCh38, 1-based): chr9:131,049,072, A>G. VCF-style: chr9-131049072-A-G. GRCh37 (hg19) VCF-style: chr9-133924459-A-G.
Identifiers: ClinVar variation 390857 (VCV000390857.15), dbSNP rs146946941, ClinGen allele CA5287133.